The following is an entry in ClinVar:

NM_020779.4(WDR35):c.2835A>G (p.Glu945=)

Gene: WDR35 (WD repeat domain 35; minus strand). Cytogenetic location: 2p24.1.
Variant type: single nucleotide variant.
Coding change: c.2835A>G on transcript NM_020779.4 (MANE Select); coding-DNA position 2835, A replaced by G.
Protein change: p.Glu945=; no amino-acid change (glutamic acid 945 retained).
Molecular consequence: synonymous variant.
Genome position (GRCh38, 1-based): chr2:19,931,398, T>C on the plus strand (A>G on the coding strand, the complement: WDR35 is on the minus strand). VCF-style: chr2-19931398-T-C. GRCh37 (hg19) VCF-style: chr2-20131159-T-C.
Other names: c.2868A>G, p.Glu956= (NM_001006657.2).
Identifiers: ClinVar variation 772294 (VCV000772294.11), dbSNP rs182928585, ClinGen allele CA1542826.

ClinVar aggregate classification (germline): Benign/Likely benign. Review status: criteria provided, multiple submitters, no conflicts (2 of 4 stars). 2 submissions from 2 submitters: Benign (1); Likely benign (1). Last evaluated 2026-08-01.

Conditions:
Cranioectodermal dysplasia 2 (CED2). Identifiers: Orphanet 1515, MedGen C3150874, MONDO:0013323, OMIM 613610.
Short-rib thoracic dysplasia 7 with or without polydactyly (SRTD7). Also called: Short rib polydactyly syndrome 5; SHORT-RIB THORACIC DYSPLASIA 7 WITH POLYDACTYLY. Identifiers: Orphanet 498497, Orphanet 93271, MedGen C3279792, MONDO:0013569, OMIM 614091.

Allele frequency attached by ClinVar (database versions not stated): TOPMed 0.00023; ExAC 0.00073; gnomAD exomes 0.00073; gnomAD 0.00009 and 0.00010; 1000 Genomes Project 30x 0.00016; 1000 Genomes Project 0.00020.
gnomAD v4.1: 211 of 1,613,336 alleles (0.013%); highest among the groups gnomAD compares: Admixed American, 0.35%; 1 homozygote.

Submissions (2):

CeGaT Center for Human Genetics Tuebingen
Classification: Likely benign. Last evaluated: 2026-08-01. Review status: criteria provided, single submitter. Criteria: CeGaT Center For Human Genetics Tuebingen Variant Classification Criteria Version 2. Collection method: clinical testing. Allele origin: germline. Affected: yes. Observed: 1 variant allele.
Comment: WDR35: BP4, BP7

Labcorp Genetics (formerly Invitae), Labcorp
Classification: Benign for Cranioectodermal dysplasia 2; Short-rib thoracic dysplasia 7 with or without polydactyly. Last evaluated: 2026-01-19. Review status: criteria provided, single submitter. Criteria: Invitae Variant Classification Sherloc (09022015). Collection method: clinical testing. Allele origin: germline.